The following is an entry in ClinVar:

ClinVar aggregate classification (germline): Uncertain significance (1 of 4 stars; one submission).

Submission:

Labcorp Genetics (formerly Invitae), Labcorp
Classification: Uncertain significance. Last evaluated: 2025-08-20. Review status: criteria provided, single submitter. Criteria: Invitae Variant Classification Sherloc (09022015). Collection method: clinical testing. Allele origin: germline.
Comment: This sequence change replaces arginine, which is basic and polar, with glycine, which is neutral and non-polar, at codon 335 of the DCHS1 protein (p.Arg335Gly). This variant is present in population databases (no rsID available, gnomAD 0.0009%). This variant has not been reported in the literature in individuals affected with DCHS1-related conditions. ClinVar contains an entry for this variant (Variation ID: 2161389). Invitae Evidence Modeling of protein sequence and biophysical properties (such as structural, functional, and spatial information, amino acid conservation, physicochemical variation, residue mobility, and thermodynamic stability) indicates that this missense variant is not expected to disrupt DCHS1 protein function with a negative predictive value of 95%. In summary, the available evidence is currently insufficient to determine the role of this variant in disease. Therefore, it has been classified as a Variant of Uncertain Significance.

NM_003737.4(DCHS1):c.1003C>G (p.Arg335Gly)

Gene: DCHS1 (dachsous cadherin-related 1; minus strand). Cytogenetic location: 11p15.4.
Variant type: single nucleotide variant.
Coding change: c.1003C>G on transcript NM_003737.4 (MANE Select); coding-DNA position 1003, C replaced by G.
Protein change: p.Arg335Gly; replaces arginine 335 with glycine.
Molecular consequence: missense variant.
Genome position (GRCh38, 1-based): chr11:6,640,611, G>C on the plus strand (C>G on the coding strand, the complement: DCHS1 is on the minus strand). VCF-style: chr11-6640611-G-C. GRCh37 (hg19) VCF-style: chr11-6661842-G-C.
Other names: short protein forms R335G.
Identifiers: ClinVar variation 2161389 (VCV002161389.4), dbSNP rs1327042234, ClinGen allele CA379437943.